The following is an entry in ClinVar:

ClinVar aggregate classification (germline): Uncertain significance. Review status: criteria provided, multiple submitters, no conflicts (2 of 4 stars). 4 submissions from 4 submitters: Uncertain significance (4). Last evaluated 2025-09-10.

Conditions:
Familial adenomatous polyposis 1 (FAP1). Also called: POLYPOSIS, ADENOMATOUS INTESTINAL; FAMILIAL ADENOMATOUS POLYPOSIS 1, ATTENUATED. Identifiers: MedGen C2713442, MONDO:0021056, OMIM 175100. Disease mechanism: loss of function.
Classic or attenuated familial adenomatous polyposis. Identifiers: MedGen CN372698, MONDO:0021057.
Hereditary cancer-predisposing syndrome. Also called: Hereditary Cancer Syndrome; Neoplastic Syndromes, Hereditary; Tumor predisposition; Hereditary neoplastic syndrome. Identifiers: Orphanet 140162, MedGen C0027672, MeSH D009386, MONDO:0015356.

Allele frequency attached by ClinVar (database versions not stated): gnomAD exomes below 0.00001; ExAC 0.00001.
gnomAD v4.1: 3 of 1,612,434 alleles (0.00019%); highest among the groups gnomAD compares: South Asian, 0.0011%; no homozygotes.

Submissions (4):

Labcorp Genetics (formerly Invitae), Labcorp
Classification: Uncertain significance for Familial adenomatous polyposis 1. Last evaluated: 2025-09-10. Review status: criteria provided, single submitter. Criteria: Invitae Variant Classification Sherloc (09022015). Collection method: clinical testing. Allele origin: germline.
Comment: This sequence change replaces serine, which is neutral and polar, with threonine, which is neutral and polar, at codon 290 of the APC protein (p.Ser290Thr). This variant is present in population databases (rs776852155, gnomAD 0.0009%). This variant has not been reported in the literature in individuals affected with APC-related conditions. ClinVar contains an entry for this variant (Variation ID: 489508). Invitae Evidence Modeling of protein sequence and biophysical properties (such as structural, functional, and spatial information, amino acid conservation, physicochemical variation, residue mobility, and thermodynamic stability) indicates that this missense variant is not expected to disrupt APC protein function with a negative predictive value of 95%. In summary, the available evidence is currently insufficient to determine the role of this variant in disease. Therefore, it has been classified as a Variant of Uncertain Significance.

Color Diagnostics, LLC DBA Color Health
Classification: Uncertain significance for Hereditary cancer-predisposing syndrome. Last evaluated: 2024-03-06. Review status: criteria provided, single submitter. Criteria: ACMG Guidelines, 2015. Collection method: clinical testing. Allele origin: germline.
Comment: This missense variant replaces serine with threonine at codon 290 of the APC protein. Computational prediction suggests that this variant may not impact protein structure and function (internally defined REVEL score threshold <= 0.5, PMID: 27666373). To our knowledge, functional studies have not been reported for this variant. This variant has not been reported in individuals affected with hereditary cancer in the literature. This variant has been identified in 1/251098 chromosomes in the general population by the Genome Aggregation Database (gnomAD). The available evidence is insufficient to determine the role of this variant in disease conclusively. Therefore, this variant is classified as a Variant of Uncertain Significance.

All of Us Research Program, National Institutes of Health
Classification: Uncertain significance for Classic or attenuated familial adenomatous polyposis. Last evaluated: 2023-11-30. Review status: criteria provided, single submitter. Criteria: ACMG Guidelines, 2015. Collection method: clinical testing. Allele origin: germline. Inheritance: Autosomal dominant inheritance. Observed: 1 variant allele, 1 heterozygote.
Comment: This missense variant replaces serine with threonine at codon 290 of the APC protein. Computational prediction suggests that this variant may not impact protein structure and function (internally defined REVEL score threshold <= 0.5, PMID: 27666373). To our knowledge, functional studies have not been reported for this variant. This variant has not been reported in individuals affected with hereditary cancer in the literature. This variant has been identified in 1/251098 chromosomes in the general population by the Genome Aggregation Database (gnomAD). The available evidence is insufficient to determine the role of this variant in disease conclusively. Therefore, this variant is classified as a Variant of Uncertain Significance.

This study involves interpretation of variants in research participants for the purpose of population health screening. Participant phenotype was not available at the time of variant classification. Additional details can be found in publication PMID: 35346344, PMCID: PMC8962531

Ambry Genetics
Classification: Uncertain significance for Hereditary cancer-predisposing syndrome. Last evaluated: 2022-09-29. Review status: criteria provided, single submitter. Criteria: Ambry Variant Classification Scheme 2023. Collection method: clinical testing. Allele origin: germline.
Comment: The p.S290T variant (also known as c.869G>C), located in coding exon 8 of the APC gene, results from a G to C substitution at nucleotide position 869. The serine at codon 290 is replaced by threonine, an amino acid with similar properties. This amino acid position is well conserved in available vertebrate species. In addition, in silico predictors for this gene do not accurately predict pathogenicity. Since supporting evidence is limited at this time, the clinical significance of this alteration remains unclear.

NM_000038.6(APC):c.869G>C (p.Ser290Thr)

Gene: APC (APC regulator of Wnt signaling pathway; plus strand). Cytogenetic location: 5q22.2.
Variant type: single nucleotide variant.
Coding change: c.869G>C on transcript NM_000038.6 (MANE Select); coding-DNA position 869, G replaced by C.
Protein change: p.Ser290Thr; replaces serine 290 with threonine.
Molecular consequence: missense variant.
Genome position (GRCh38, 1-based): chr5:112,815,529, G>C. VCF-style: chr5-112815529-G-C. GRCh37 (hg19) VCF-style: chr5-112151226-G-C.
Other names: c.869G>C, p.Ser290Thr (NM_001127510.3, NM_001354895.2, NM_001354896.2 and 1 more transcripts); c.815G>C, p.Ser272Thr (NM_001127511.3); c.899G>C, p.Ser300Thr (NM_001354897.2, NM_001354902.2); c.794G>C, p.Ser265Thr (NM_001354898.2, NM_001354904.2); c.785G>C, p.Ser262Thr (NM_001354899.2); c.692G>C, p.Ser231Thr (NM_001354900.2, NM_001354901.2, NM_001354905.2); c.20G>C, p.Ser7Thr (NM_001354906.2); short protein forms S272T, S290T, S7T, S231T, S262T, S265T, S300T.
Identifiers: ClinVar variation 489508 (VCV000489508.19), dbSNP rs776852155, ClinGen allele CA051012.
Genomic context (GRCh38, chr5:112,815,529, plus strand): 5'-CCATCTATAATGTGCTTAATTTTTAGGGTTCAACTACACGAATGGACCATGAAACAGCCA[G>C]TGTTTTGAGTTCTAGTAGCACACACTCTGCACCTCGAAGGCTGACAAGTCATCTGGGAAC-3'
Protein context (NP_000029.2, residues 280-300): STTRMDHETA[Ser290Thr]VLSSSSTHSA